The following is an entry in ClinVar:

NM_006904.7(PRKDC):c.515A>G (p.Glu172Gly)

Gene: PRKDC (protein kinase, DNA-activated, catalytic subunit; minus strand). Cytogenetic location: 8q11.21.
Variant type: single nucleotide variant.
Coding change: c.515A>G on transcript NM_006904.7 (MANE Select); coding-DNA position 515, A replaced by G.
Protein change: p.Glu172Gly; replaces glutamic acid 172 with glycine.
Molecular consequence: missense variant.
Genome position (GRCh38, 1-based): chr8:47,953,913, T>C on the plus strand (A>G on the coding strand, the complement: PRKDC is on the minus strand). VCF-style: chr8-47953913-T-C. GRCh37 (hg19) VCF-style: chr8-48866473-T-C.
Other names: c.515A>G, p.Glu172Gly (NM_001081640.2); short protein forms E172G.
Identifiers: ClinVar variation 1447473 (VCV001447473.5), dbSNP rs2090663873, ClinGen allele CA371138929.

ClinVar aggregate classification (germline): Uncertain significance. Review status: criteria provided, multiple submitters, no conflicts (2 of 4 stars). 2 submissions from 2 submitters: Uncertain significance (2). Last evaluated 2022-10-19.

Conditions:
Severe combined immunodeficiency due to DNA-PKcs deficiency. Also called: IMMUNODEFICIENCY 26 WITH NEUROLOGIC ABNORMALITIES; Immunodeficiency 26 with or without neurologic abnormalities. Identifiers: Orphanet 317425, MedGen C4014833, MONDO:0014423, OMIM 615966.

Allele frequency attached by ClinVar (database versions not stated): TOPMed below 0.00001; gnomAD 0.00001.

Submissions (2):

Ambry Genetics
Classification: Uncertain significance. Last evaluated: 2022-10-19. Review status: criteria provided, single submitter. Criteria: Ambry Variant Classification Scheme 2023. Collection method: clinical testing. Allele origin: germline.
Comment: The p.E172G variant (also known as c.515A>G), located in coding exon 6 of the PRKDC gene, results from an A to G substitution at nucleotide position 515. The glutamic acid at codon 172 is replaced by glycine, an amino acid with similar properties. This amino acid position is conserved. In addition, the in silico prediction for this alteration is inconclusive. Since supporting evidence is limited at this time, the clinical significance of this alteration remains unclear.

Labcorp Genetics (formerly Invitae), Labcorp
Classification: Uncertain significance for Severe combined immunodeficiency due to DNA-PKcs deficiency. Last evaluated: 2022-06-27. Review status: criteria provided, single submitter. Criteria: Invitae Variant Classification Sherloc (09022015). Collection method: clinical testing. Allele origin: germline.
Comment: This sequence change replaces glutamic acid, which is acidic and polar, with glycine, which is neutral and non-polar, at codon 172 of the PRKDC protein (p.Glu172Gly). This variant is not present in population databases (gnomAD no frequency). This variant has not been reported in the literature in individuals affected with PRKDC-related conditions. Experimental studies and prediction algorithms are not available or were not evaluated, and the functional significance of this variant is currently unknown. In summary, the available evidence is currently insufficient to determine the role of this variant in disease. Therefore, it has been classified as a Variant of Uncertain Significance.